The following is an entry in ClinVar:

NM_030777.4(SLC2A10):c.*1272G>C

Gene: SLC2A10 (solute carrier family 2 member 10; plus strand). Cytogenetic location: 20q13.12.
Variant type: single nucleotide variant.
Coding change: c.*1272G>C on transcript NM_030777.4 (MANE Select); 1272 bases downstream of the stop codon, G replaced by C.
Molecular consequence: 3 prime UTR variant.
Genome position (GRCh38, 1-based): chr20:46,735,106, G>C. VCF-style: chr20-46735106-G-C. GRCh37 (hg19) VCF-style: chr20-45363745-G-C.
Identifiers: ClinVar variation 338622 (VCV000338622.5), dbSNP rs562491351, ClinGen allele CA10649809.

ClinVar aggregate classification (germline): Likely benign (1 of 4 stars; one submission).

Conditions:
Arterial tortuosity syndrome (ATORS). Identifiers: Orphanet 3342, MedGen C1859726, MONDO:0008818, OMIM 208050.

Allele frequency attached by ClinVar (database versions not stated): 1000 Genomes Project 0.00100; 1000 Genomes Project 30x 0.00125; gnomAD 0.00185; TOPMed 0.00229.

Submission:

Illumina Laboratory Services, Illumina
Classification: Likely benign for Arterial tortuosity syndrome. Last evaluated: 2018-01-12. Review status: criteria provided, single submitter. Criteria: ICSL Variant Classification Criteria 13 December 2019. Collection method: clinical testing. Allele origin: germline.
Comment: This variant was observed in the ICSL laboratory as part of a predisposition screen in an ostensibly healthy population. It had not been previously curated by ICSL or reported in the Human Gene Mutation Database (HGMD: prior to June 1st, 2018), and was therefore a candidate for classification through an automated scoring system. Utilizing variant allele frequency, disease prevalence and penetrance estimates, and inheritance mode, an automated score was calculated to assess if this variant is too frequent to cause the disease. Based on the score and internal cut-off values, a variant classified as likely benign is not then subjected to further curation. The score for this variant resulted in a classification of likely benign for this disease.